The following is an entry in ClinVar:

ClinVar aggregate classification (germline): Uncertain significance. Review status: criteria provided, multiple submitters, no conflicts (2 of 4 stars). 3 submissions from 3 submitters: Uncertain significance (3). Last evaluated 2025-11-26.

Conditions:
Inborn genetic diseases. Identifiers: MedGen C0950123, MeSH D030342.

Allele frequency attached by ClinVar (database versions not stated): ExAC 0.00002; 1000 Genomes Project 0.00020; 1000 Genomes Project 30x 0.00031.
gnomAD v4.1: 46 of 1,613,968 alleles (0.0029%); highest among the groups gnomAD compares: Middle Eastern, 0.049%; no homozygotes.

Submissions (3):

Ambry Genetics
Classification: Uncertain significance for Inborn genetic diseases. Last evaluated: 2025-11-26. Review status: criteria provided, single submitter. Criteria: Ambry Variant Classification Scheme 2023. Collection method: clinical testing. Allele origin: germline.

Blueprint Genetics
Classification: Uncertain significance. Last evaluated: 2022-10-25. Review status: criteria provided, single submitter. Criteria: ACMG Guidelines, 2015. Collection method: clinical testing. Allele origin: germline.

Labcorp Genetics (formerly Invitae), Labcorp
Classification: Uncertain significance. Last evaluated: 2022-07-15. Review status: criteria provided, single submitter. Criteria: Invitae Variant Classification Sherloc (09022015). Collection method: clinical testing. Allele origin: germline.
Comment: This sequence change replaces arginine, which is basic and polar, with glutamine, which is neutral and polar, at codon 1897 of the CDH23 protein (p.Arg1897Gln). This variant is present in population databases (rs530212154, gnomAD 0.006%). This variant has not been reported in the literature in individuals affected with CDH23-related conditions. Algorithms developed to predict the effect of missense changes on protein structure and function output the following: SIFT: "Tolerated"; PolyPhen-2: "Not Available"; Align-GVGD: "Class C0". The glutamine amino acid residue is found in multiple mammalian species, which suggests that this missense change does not adversely affect protein function. In summary, the available evidence is currently insufficient to determine the role of this variant in disease. Therefore, it has been classified as a Variant of Uncertain Significance.

NM_022124.6(CDH23):c.5690G>A (p.Arg1897Gln)

Gene: CDH23 (cadherin related 23; plus strand). Cytogenetic location: 10q22.1.
Variant type: single nucleotide variant.
Coding change: c.5690G>A on transcript NM_022124.6 (MANE Select); coding-DNA position 5690, G replaced by A.
Protein change: p.Arg1897Gln; replaces arginine 1897 with glutamine.
Molecular consequence: missense variant.
Genome position (GRCh38, 1-based): chr10:71,785,078, G>A. VCF-style: chr10-71785078-G-A. GRCh37 (hg19) VCF-style: chr10-73544835-G-A.
Other names: c.5690G>A (NM_022124.5); short protein forms R1897Q.
Identifiers: ClinVar variation 2190644 (VCV002190644.3), dbSNP rs530212154, ClinGen allele CA5545839.
Genomic context (GRCh38, chr10:71,785,078, plus strand): 5'-ACGCTGACAGTGGCTGCAATGCACGCCTCACCTTCAACATCACTGCGGGCAACCGCGAGC[G>A]GGCCTTCTTCATCAATGCCACGGTAGGGCCTAGACTGACCCCAGGGAGCTTCCCAGGGTT-3'
Protein context (NP_071407.4, residues 1887-1907): TFNITAGNRE[Arg1897Gln]AFFINATTGI